The following is an entry in ClinVar:

NM_000363.5(TNNI3):c.474G>C (p.Leu158=)

Gene: TNNI3 (troponin I3, cardiac type; minus strand). Cytogenetic location: 19q13.42.
Variant type: single nucleotide variant.
Coding change: c.474G>C on transcript NM_000363.5 (MANE Select); coding-DNA position 474, G replaced by C.
Protein change: p.Leu158=; no amino-acid change (leucine 158 retained).
Molecular consequence: synonymous variant.
Genome position (GRCh38, 1-based): chr19:55,154,105, C>G on the plus strand (G>C on the coding strand, the complement: TNNI3 is on the minus strand). VCF-style: chr19-55154105-C-G. GRCh37 (hg19) VCF-style: chr19-55665473-C-G.
Other names: c.474G>C (LRG_432t1).
Identifiers: ClinVar variation 381300 (VCV000381300.18), dbSNP rs749880457, ClinGen allele CA051651.

ClinVar aggregate classification (germline): Likely benign. Review status: criteria provided, multiple submitters, no conflicts (2 of 4 stars). 6 submissions from 6 submitters: Likely benign (6). Last evaluated 2025-12-15.

Conditions:
Cardiovascular phenotype. Identifiers: MedGen CN230736.
Cardiomyopathy (CMYO). Also called: Cardiomyopathies. Identifiers: Orphanet 167848, MedGen C0878544, MONDO:0004994, HP:0001638. Inheritance: Various modes of inheritance.
Hypertrophic cardiomyopathy. Also called: HYPERTROPHIC MYOCARDIOPATHY. Identifiers: Orphanet 217569, MedGen C0007194, MeSH D002312, MONDO:0005045, HP:0001639.

Allele frequency attached by ClinVar (database versions not stated): gnomAD 0.00001; gnomAD exomes 0.00001; ExAC 0.00002; TOPMed 0.00002.

Submissions (6):

Labcorp Genetics (formerly Invitae), Labcorp
Classification: Likely benign for Hypertrophic cardiomyopathy. Last evaluated: 2025-12-15. Review status: criteria provided, single submitter. Criteria: Invitae Variant Classification Sherloc (09022015). Collection method: clinical testing. Allele origin: germline.

Women's Health and Genetics/Laboratory Corporation of America, LabCorp
Classification: Likely benign. Last evaluated: 2024-11-10. Review status: criteria provided, single submitter. Criteria: LabCorp Variant Classification Summary - May 2015. Collection method: clinical testing. Allele origin: germline.

All of Us Research Program, National Institutes of Health
Classification: Likely benign for Hypertrophic cardiomyopathy. Last evaluated: 2023-12-13. Review status: criteria provided, single submitter. Criteria: ACMG Guidelines, 2015. Collection method: clinical testing. Allele origin: germline. Inheritance: Autosomal dominant inheritance. Observed: 8 variant alleles, 8 heterozygotes.
Comment: This study involves interpretation of variants in research participants for the purpose of population health screening. Participant phenotype was not available at the time of variant classification. Additional details can be found in publication PMID: 35346344, PMCID: PMC8962531

Ambry Genetics
Classification: Likely benign for Cardiovascular phenotype. Last evaluated: 2022-03-28. Review status: criteria provided, single submitter. Criteria: Ambry Variant Classification Scheme 2023. Collection method: clinical testing. Allele origin: germline.

Color Diagnostics, LLC DBA Color Health
Classification: Likely benign for Cardiomyopathy. Last evaluated: 2018-10-30. Review status: criteria provided, single submitter. Criteria: ACMG Guidelines, 2015. Collection method: clinical testing. Allele origin: germline.

GeneDx
Classification: Likely benign. Last evaluated: 2015-11-10. Review status: criteria provided, single submitter. Criteria: GeneDx Variant Classification (06012015). Collection method: clinical testing. Allele origin: germline. Affected: yes.
Comment: This variant is considered likely benign or benign based on one or more of the following criteria: it is a conservative change, it occurs at a poorly conserved position in the protein, it is predicted to be benign by multiple in silico algorithms, and/or has population frequency not consistent with disease.